The following is an entry in ClinVar:

NM_025074.7(FRAS1):c.3014G>A (p.Cys1005Tyr)

Gene: FRAS1 (Fraser extracellular matrix complex subunit 1; plus strand). Cytogenetic location: 4q21.21.
Variant type: single nucleotide variant.
Coding change: c.3014G>A on transcript NM_025074.7 (MANE Select); coding-DNA position 3014, G replaced by A.
Protein change: p.Cys1005Tyr; replaces cysteine 1005 with tyrosine.
Molecular consequence: missense variant.
Genome position (GRCh38, 1-based): chr4:78,374,114, G>A. VCF-style: chr4-78374114-G-A. GRCh37 (hg19) VCF-style: chr4-79295268-G-A.
Other names: c.3014G>A, p.Cys1005Tyr (NM_001166133.2); short protein forms C1005Y.
Identifiers: ClinVar variation 3851553 (VCV003851553.2).

ClinVar aggregate classification (germline): Uncertain significance. Review status: criteria provided, multiple submitters, no conflicts (2 of 4 stars). 2 submissions from 2 submitters: Uncertain significance (2). Last evaluated 2025-08-16.

Conditions:
Inborn genetic diseases. Identifiers: MedGen C0950123, MeSH D030342.

gnomAD v4.1: 1 of 1,575,048 alleles (0.000063%); highest among the groups gnomAD compares: Non-Finnish European, 0.000087%; no homozygotes.

Submissions (2):

Labcorp Genetics (formerly Invitae), Labcorp
Classification: Uncertain significance. Last evaluated: 2025-08-16. Review status: criteria provided, single submitter. Criteria: Invitae Variant Classification Sherloc (09022015). Collection method: clinical testing. Allele origin: germline.
Comment: This sequence change replaces cysteine, which is neutral and slightly polar, with tyrosine, which is neutral and polar, at codon 1005 of the FRAS1 protein (p.Cys1005Tyr). This variant is not present in population databases (gnomAD no frequency). This variant has not been reported in the literature in individuals affected with FRAS1-related conditions. ClinVar contains an entry for this variant (Variation ID: 3851553). An algorithm developed to predict the effect of missense changes on protein structure and function (PolyPhen-2) suggests that this variant is likely to be disruptive. In summary, the available evidence is currently insufficient to determine the role of this variant in disease. Therefore, it has been classified as a Variant of Uncertain Significance.

Ambry Genetics
Classification: Uncertain significance for Inborn genetic diseases. Last evaluated: 2025-02-08. Review status: criteria provided, single submitter. Criteria: Ambry Variant Classification Scheme 2023. Collection method: clinical testing. Allele origin: germline.